The following is an entry in ClinVar:

ClinVar aggregate classification (germline): Pathogenic/Likely pathogenic. Review status: criteria provided, multiple submitters, no conflicts (2 of 4 stars). 4 submissions from 4 submitters: Pathogenic (1); Likely pathogenic (1). 2 of the submissions do not count toward it. Last evaluated 2024-07-02.

Conditions:
Cardiovascular phenotype. Identifiers: MedGen CN230736.
Familial long QT syndrome (RWS). Also called: Congenital long QT syndrome; Romano-Ward syndrome; VENTRICULAR FIBRILLATION WITH PROLONGED QT INTERVAL. Identifiers: Orphanet 768, MedGen C1141890, MONDO:0019171.
Long QT syndrome (LQTS). Identifiers: MedGen C0023976, MeSH D008133, MONDO:0002442. Disease mechanism: loss of function. Inheritance: Various modes of inheritance.
Long QT syndrome 1 (LQT1). Identifiers: Orphanet 101016, Orphanet 768, MedGen C4551647, MONDO:0100316, OMIM 192500, MONDO:0008646.

Submissions (4):

Labcorp Genetics (formerly Invitae), Labcorp
Classification: Pathogenic for Long QT syndrome. Last evaluated: 2024-07-02. Review status: criteria provided, single submitter. Criteria: Invitae Variant Classification Sherloc (09022015). Collection method: clinical testing. Allele origin: germline.
Comment: This sequence change replaces glycine, which is neutral and non-polar, with alanine, which is neutral and non-polar, at codon 568 of the KCNQ1 protein (p.Gly568Ala). This variant is not present in population databases (gnomAD no frequency). This missense change has been observed in individuals with long QT Syndrome (PMID: 12702160, 27485560). ClinVar contains an entry for this variant (Variation ID: 53010). Advanced modeling of protein sequence and biophysical properties (such as structural, functional, and spatial information, amino acid conservation, physicochemical variation, residue mobility, and thermodynamic stability) performed at Invitae indicates that this missense variant is expected to disrupt KCNQ1 protein function with a positive predictive value of 95%. This variant disrupts the p.Gly568 amino acid residue in KCNQ1. Other variant(s) that disrupt this residue have been determined to be pathogenic (PMID: 22456477, 22949429, 22956155, 23392653). This suggests that this residue is clinically significant, and that variants that disrupt this residue are likely to be disease-causing. For these reasons, this variant has been classified as Pathogenic.

Ambry Genetics
Classification: Likely pathogenic for Cardiovascular phenotype. Last evaluated: 2017-12-08. Review status: criteria provided, single submitter. Criteria: Ambry Variant Classification Scheme 2023. Collection method: clinical testing. Allele origin: germline.
Comment: The p.G568A variant (also known as c.1703G>C), located in coding exon 14 of the KCNQ1 gene, results from a G to C substitution at nucleotide position 1703. The glycine at codon 568 is replaced by alanine, an amino acid with similar properties. This alteration has been reported in individuals with long QT syndrome, including one family with an affected mother and child (Chen S et al. Clin. Genet., 2003 Apr;63:273-82; Vyas B et al. Indian Pacing Electrophysiol J , 2016 Mar;16:8-18). Alternate amino acid substitutions, p.G568R and p.G568E, have also been reported in individuals with LQTS (Tester DJ et al. Heart Rhythm, 2005 May;2:507-17; Izumi G et al. Pediatr Cardiol, 2016 Jun;37:962-70). This amino acid position is highly conserved in available vertebrate species. In addition, this alteration is predicted to be deleterious by in silico analysis. Based on the majority of available evidence to date, this variant is likely to be pathogenic.

Institute of Medical Genetics and Genomics, Sir Ganga Ram Hospital
Classification: Pathogenic for Long QT syndrome, LQT1 subtype. Last evaluated: 2012-01-01. Review status: no assertion criteria provided. Collection method: research. Allele origin: germline. Affected: yes. Observed: 1 variant allele. Study: Life Threatening Long QT Syndromes. Not counted in ClinVar's aggregate classification.

Cardiovascular Biomedical Research Unit, Royal Brompton & Harefield NHS Foundation Trust
No classification provided. Condition: Familial long QT syndrome. Review status: no classification provided. Collection method: literature only. Allele origin: germline. Not counted in ClinVar's aggregate classification.
Comment: This variant has been reported as associated with Long QT syndrome in the following publications (PMID:12702160). This is a literature report, and does not necessarily reflect the clinical interpretation of the Imperial College / Royal Brompton Cardiovascular Genetics laboratory.

Literature cited by the submitters: PubMed 12702160 (cited by 3 submitters); PubMed 27485560 (cited by 3 submitters); PubMed 22456477 (cited by Labcorp Genetics (formerly Invitae), Labcorp); PubMed 22949429 (cited by Labcorp Genetics (formerly Invitae), Labcorp); PubMed 22956155 (cited by Labcorp Genetics (formerly Invitae), Labcorp); PubMed 23392653 (cited by Labcorp Genetics (formerly Invitae), Labcorp); PubMed 22581653 (cited by Cardiovascular Biomedical Research Unit, Royal Brompton & Harefield NHS Foundation Trust).

NM_000218.3(KCNQ1):c.1703G>C (p.Gly568Ala)

Gene: KCNQ1 (potassium voltage-gated channel subfamily Q member 1; plus strand). Cytogenetic location: 11p15.5.
Variant type: single nucleotide variant.
Coding change: c.1703G>C on transcript NM_000218.3 (MANE Select); coding-DNA position 1703, G replaced by C.
Protein change: p.Gly568Ala; replaces glycine 568 with alanine.
Molecular consequence: missense variant.
Genome position (GRCh38, 1-based): chr11:2,777,003, G>C. VCF-style: chr11-2777003-G-C. GRCh37 (hg19) VCF-style: chr11-2798233-G-C.
Other names: c.1703G>C (LRG_287t1); c.1607G>C, p.Gly536Ala (NM_001406836.1); c.1433G>C, p.Gly478Ala (NM_001406837.1); c.1163G>C, p.Gly388Ala (NM_001406838.1); c.1322G>C, p.Gly441Ala (NM_181798.2); short protein forms G568A, G441A, G536A, G388A, G478A.
Identifiers: ClinVar variation 53010 (VCV000053010.10), dbSNP rs199472806, ClinGen allele CA006239.